The following is an entry in ClinVar:

ClinVar aggregate classification (germline): Uncertain significance (1 of 4 stars; one submission).

Conditions:
Gorlin syndrome. Also called: Basal cell nevus syndrome; Nevoid Basal Cell Carcinoma Syndrome. Identifiers: Orphanet 377, MedGen C0004779, MONDO:0007187.

Submission:

Labcorp Genetics (formerly Invitae), Labcorp
Classification: Uncertain significance for Gorlin syndrome. Last evaluated: 2021-07-07. Review status: criteria provided, single submitter. Criteria: Invitae Variant Classification Sherloc (09022015). Collection method: clinical testing. Allele origin: germline.
Comment: In summary, the available evidence is currently insufficient to determine the role of this variant in disease. Therefore, it has been classified as a Variant of Uncertain Significance. Advanced modeling of protein sequence and biophysical properties (such as structural, functional, and spatial information, amino acid conservation, physicochemical variation, residue mobility, and thermodynamic stability) performed at Invitae indicates that this missense variant is not expected to disrupt PTCH1 protein function. This variant has not been reported in the literature in individuals affected with PTCH1-related conditions. This variant is not present in population databases (ExAC no frequency). This sequence change replaces glycine with tryptophan at codon 1217 of the PTCH1 protein (p.Gly1217Trp). The glycine residue is moderately conserved and there is a large physicochemical difference between glycine and tryptophan.

NM_000264.5(PTCH1):c.3649G>T (p.Gly1217Trp)

Gene: PTCH1 (patched 1; minus strand). Cytogenetic location: 9q22.32.
Variant type: single nucleotide variant.
Coding change: c.3649G>T on transcript NM_000264.5 (MANE Select); coding-DNA position 3649, G replaced by T.
Protein change: p.Gly1217Trp; replaces glycine 1217 with tryptophan.
Molecular consequence: missense variant. On other transcripts: non-coding transcript variant (1).
Genome position (GRCh38, 1-based): chr9:95,449,224, C>A on the plus strand (G>T on the coding strand, the complement: PTCH1 is on the minus strand). VCF-style: chr9-95449224-C-A. GRCh37 (hg19) VCF-style: chr9-98211506-C-A.
Other names: c.3451G>T, p.Gly1151Trp (NM_001083602.3); c.3646G>T, p.Gly1216Trp (NM_001083603.3); c.3196G>T, p.Gly1066Trp (NM_001083604.3, NM_001083605.3, NM_001083606.3 and 1 more transcripts); c.3493G>T, p.Gly1165Trp (NM_001354918.2); short protein forms G1066W, G1217W, G1151W, G1165W, G1216W.
Identifiers: ClinVar variation 1517857 (VCV001517857.8), dbSNP rs768986314, ClinGen allele CA374111222.
Genomic context (GRCh38, chr9:95,449,224, plus strand): 5'-CCTCGCTGAGGCCTGACACTGTCGTCTGGGAACTATACTCCGAGTCGGAGGAATCAGACC[C>A]GCTGTGCGTGTGGCCGGGCGGCATGGCGAAGCGGACCACGCTGGGGGGTGGCTCAGGGGA-3'
Protein context (NP_000255.2, residues 1207-1227): FAMPPGHTHS[Gly1217Trp]SDSSDSEYSS